The following is an entry in ClinVar:

ClinVar aggregate classification (germline): Likely pathogenic (1 of 4 stars; one submission).

gnomAD v4.1: 1 of 1,614,184 alleles (0.000062%); no homozygotes.

Submission:

GeneDx
Classification: Likely pathogenic. Last evaluated: 2026-03-09. Review status: criteria provided, single submitter. Criteria: GeneDx Variant Classification Process June 2021. Collection method: clinical testing. Allele origin: germline.
Comment: Affects a glycine residue in a Gly-X-Y motif in the triple helical region of the COL4A1 gene, where the majority of pathogenic missense variants occur, and is predicted to disrupt normal protein folding and function (HGMD; PMID: 22522439, 23225343); Not observed at significant frequency in large population cohorts (gnomAD); In silico analysis supports that this missense variant has a deleterious effect on protein structure/function; Has not been previously published as pathogenic or benign to our knowledge; This variant is associated with the following publications: (PMID: 22522439, 23225343)

NM_001845.6(COL4A1):c.2941G>A (p.Gly981Arg)

Gene: COL4A1 (collagen type IV alpha 1 chain; minus strand). Cytogenetic location: 13q34.
Variant type: single nucleotide variant.
Coding change: c.2941G>A on transcript NM_001845.6 (MANE Select); coding-DNA position 2941, G replaced by A.
Protein change: p.Gly981Arg; replaces glycine 981 with arginine.
Molecular consequence: missense variant.
Genome position (GRCh38, 1-based): chr13:110,176,653, C>T on the plus strand (G>A on the coding strand, the complement: COL4A1 is on the minus strand). VCF-style: chr13-110176653-C-T. GRCh37 (hg19) VCF-style: chr13-110829000-C-T.
Other names: short protein forms G981R.
Identifiers: ClinVar variation 4976692 (VCV004976692.1).
Genomic context (GRCh38, chr13:110,176,653, plus strand): 5'-TGCCACACTGGGGACCGGAGCTCCACACTGTACCTGGCTGCCCAGGCTGTCCTGCCTGCC[C>T]GTCCTTTCCAGGCACTCCTGGGGTCCCAGGGTCTCCTCGGGATCCCTTCTCACCAATTGG-3'
Protein context (NP_001836.3, residues 971-991): PGTPGVPGKD[Gly981Arg]QAGQPGQPGP